The following is an entry in ClinVar:

NM_016222.4(DDX41):c.877C>G (p.Arg293Gly)

Gene: DDX41 (DEAD-box helicase 41; minus strand). Cytogenetic location: 5q35.3.
Variant type: single nucleotide variant.
Coding change: c.877C>G on transcript NM_016222.4 (MANE Select); coding-DNA position 877, C replaced by G.
Protein change: p.Arg293Gly; replaces arginine 293 with glycine.
Molecular consequence: missense variant.
Genome position (GRCh38, 1-based): chr5:177,514,759, G>C on the plus strand (C>G on the coding strand, the complement: DDX41 is on the minus strand). VCF-style: chr5-177514759-G-C. GRCh37 (hg19) VCF-style: chr5-176941760-G-C.
Other names: c.499C>G, p.Arg167Gly (NM_001321732.2, NM_001321830.2); short protein forms R167G, R293G.
Identifiers: ClinVar variation 4238820 (VCV004238820.1).

ClinVar aggregate classification (germline): Uncertain significance (1 of 4 stars; one submission).

Conditions:
Inborn genetic diseases. Identifiers: MedGen C0950123, MeSH D030342.

Submission:

Ambry Genetics
Classification: Uncertain significance for Inborn genetic diseases. Last evaluated: 2025-08-29. Review status: criteria provided, single submitter. Criteria: Ambry Variant Classification Scheme 2023. Collection method: clinical testing. Allele origin: germline.
Comment: The p.R293G variant (also known as c.877C>G), located in coding exon 9 of the DDX41 gene, results from a C to G substitution at nucleotide position 877. The arginine at codon 293 is replaced by glycine, an amino acid with dissimilar properties. This amino acid position is highly conserved in available vertebrate species. In addition, the in silico prediction for this alteration is inconclusive. Based on the available evidence, the clinical significance of this variant remains unclear.